The following is an entry in ClinVar:

NM_001211.6(BUB1B):c.980C>T (p.Thr327Ile)

Gene: BUB1B (BUB1 mitotic checkpoint serine/threonine kinase B; plus strand). Cytogenetic location: 15q15.1.
Variant type: single nucleotide variant.
Coding change: c.980C>T on transcript NM_001211.6 (MANE Select); coding-DNA position 980, C replaced by T.
Protein change: p.Thr327Ile; replaces threonine 327 with isoleucine.
Molecular consequence: missense variant.
Genome position (GRCh38, 1-based): chr15:40,185,564, C>T. VCF-style: chr15-40185564-C-T. GRCh37 (hg19) VCF-style: chr15-40477765-C-T.
Other names: short protein forms T327I.
Identifiers: ClinVar variation 3483237 (VCV003483237.1).

ClinVar aggregate classification (germline): Uncertain significance (1 of 4 stars; one submission).

Conditions:
Inborn genetic diseases. Identifiers: MedGen C0950123, MeSH D030342.

gnomAD v4.1: 2 of 1,614,198 alleles (0.00012%); highest among the groups gnomAD compares: South Asian, 0.0011%; no homozygotes.

Submission:

Ambry Genetics
Classification: Uncertain significance for Inborn genetic diseases. Last evaluated: 2024-11-17. Review status: criteria provided, single submitter. Criteria: Ambry Variant Classification Scheme 2023. Collection method: clinical testing. Allele origin: germline.
Comment: The p.T327I variant (also known as c.980C>T), located in coding exon 8 of the BUB1B gene, results from a C to T substitution at nucleotide position 980. The threonine at codon 327 is replaced by isoleucine, an amino acid with similar properties. This amino acid position is conserved. In addition, this alteration is predicted to be tolerated by in silico analysis. Based on the available evidence, the clinical significance of this variant remains unclear.